The following is an entry in ClinVar:

ClinVar aggregate classification (germline): Uncertain significance (1 of 4 stars; one submission).

Conditions:
CRYBB1-related disorder. Also called: CRYBB1-related condition.

gnomAD v4.1: 1 of 1,610,176 alleles (0.000062%); no homozygotes.

Submission:

PreventionGenetics, part of Exact Sciences
Classification: Uncertain significance for CRYBB1-related condition. Last evaluated: 2025-06-26. Review status: criteria provided, single submitter. Criteria: ACMG Guidelines, 2015. Collection method: clinical testing. Allele origin: germline.
Comment: The CRYBB1 c.203A>T variant is predicted to result in the amino acid substitution p.Asn68Ile. To our knowledge, this variant has not been reported in the literature or in a large population database (gnomAD), indicating this variant is rare. At this time, the clinical significance of this variant is uncertain due to the absence of conclusive functional and genetic evidence.

NM_001887.4(CRYBB1):c.203A>T (p.Asn68Ile)

Genes: CRYBA4 (crystallin beta A4; plus strand), CRYBB1 (crystallin beta B1; minus strand). Cytogenetic location: 22q12.1.
Variant type: single nucleotide variant.
Coding change: c.203A>T on transcript NM_001887.4 (MANE Select); coding-DNA position 203, A replaced by T.
Protein change: p.Asn68Ile; replaces asparagine 68 with isoleucine.
Molecular consequence: missense variant.
Genome position (GRCh38, 1-based): chr22:26,612,168, T>A on the plus strand (A>T on the coding strand, the complement: CRYBB1 is on the minus strand). VCF-style: chr22-26612168-T-A. GRCh37 (hg19) VCF-style: chr22-27008132-T-A.
Other names: short protein forms N68I.
Identifiers: ClinVar variation 4998688 (VCV004998688.1).